The following is an entry in ClinVar:

NM_013245.3(VPS4A):c.980A>G (p.Glu327Gly)

Gene: VPS4A (vacuolar protein sorting 4 homolog A; plus strand). Cytogenetic location: 16q22.1.
Variant type: single nucleotide variant.
Coding change: c.980A>G on transcript NM_013245.3 (MANE Select); coding-DNA position 980, A replaced by G.
Protein change: p.Glu327Gly; replaces glutamic acid 327 with glycine.
Molecular consequence: missense variant.
Genome position (GRCh38, 1-based): chr16:69,321,179, A>G. VCF-style: chr16-69321179-A-G. GRCh37 (hg19) VCF-style: chr16-69355082-A-G.
Other names: short protein forms E327G.
Identifiers: ClinVar variation 3361312 (VCV003361312.2).

ClinVar aggregate classification (germline): Uncertain significance (1 of 4 stars; one submission).

gnomAD v4.1: 1 of 1,577,362 alleles (0.000063%); highest among the groups gnomAD compares: African/African-American, 0.0014%; no homozygotes.

Submission:

GeneDx
Classification: Uncertain significance. Last evaluated: 2025-01-22. Review status: criteria provided, single submitter. Criteria: GeneDx Variant Classification Process June 2021. Collection method: clinical testing. Allele origin: germline.
Comment: Not observed at significant frequency in large population cohorts (gnomAD); In silico analysis supports that this missense variant has a deleterious effect on protein structure/function; Has not been previously published as pathogenic or benign to our knowledge